The following is an entry in ClinVar:

ClinVar aggregate classification (germline): Conflicting classifications of pathogenicity. Review status: criteria provided, conflicting classifications (1 of 4 stars). 4 submissions from 4 submitters: Uncertain significance (1); Likely benign (3). Last evaluated 2025-09-10.

Conditions:
Cardiovascular phenotype. Identifiers: MedGen CN230736.
Walker-Warburg congenital muscular dystrophy. Also called: Muscular dystrophy-dystroglycanopathy, type A; Walker-Warburg syndrome. Identifiers: Orphanet 899, MedGen C0265221, MONDO:0000171.

Allele frequency attached by ClinVar (database versions not stated): gnomAD exomes below 0.00001; gnomAD 0.00003; TOPMed 0.00003.

Submissions (4):

Labcorp Genetics (formerly Invitae), Labcorp
Classification: Likely benign for Walker-Warburg congenital muscular dystrophy. Last evaluated: 2025-09-10. Review status: criteria provided, single submitter. Criteria: Invitae Variant Classification Sherloc (09022015). Collection method: clinical testing. Allele origin: germline.

Mayo Clinic Laboratories, Mayo Clinic
Classification: Likely benign. Last evaluated: 2024-12-30. Review status: criteria provided, single submitter. Criteria: ACMG Guidelines, 2015. Collection method: clinical testing. Allele origin: germline. Observed: 1 variant allele.
Comment: BP4, BP7

Ambry Genetics
Classification: Likely benign for Cardiovascular phenotype. Last evaluated: 2021-02-24. Review status: criteria provided, single submitter. Criteria: Ambry Variant Classification Scheme 2023. Collection method: clinical testing. Allele origin: germline.

Eurofins Ntd Llc (ga)
Classification: Uncertain significance. Last evaluated: 2017-08-17. Review status: criteria provided, single submitter. Criteria: EGL Classification Definitions 2015. Collection method: clinical testing. Allele origin: germline. Observed: 1 variant allele, 1 heterozygote.

NM_001079802.2(FKTN):c.393G>A (p.Glu131=)

Gene: FKTN (fukutin; plus strand). Cytogenetic location: 9q31.2.
Variant type: single nucleotide variant.
Coding change: c.393G>A on transcript NM_001079802.2 (MANE Select); coding-DNA position 393, G replaced by A.
Protein change: p.Glu131=; no amino-acid change (glutamic acid 131 retained).
Molecular consequence: synonymous variant. On other transcripts: 5 prime UTR variant (4), non-coding transcript variant (2).
Genome position (GRCh38, 1-based): chr9:105,604,238, G>A. VCF-style: chr9-105604238-G-A. GRCh37 (hg19) VCF-style: chr9-108366519-G-A.
Other names: p.Glu131=; c.393G>A, p.Glu131= (NM_001198963.2, NM_001351496.2, NM_001351498.2 and 1 more transcripts); c.324G>A, p.Glu108= (NM_001351497.2); c.-4G>A (NM_001351499.2, NM_001351500.2, NM_001351501.2 and 1 more transcripts).
Identifiers: ClinVar variation 593662 (VCV000593662.11), dbSNP rs1472560195, ClinGen allele CA466659319.